The following is an entry in ClinVar:

ClinVar aggregate classification (germline): Benign. Review status: criteria provided, multiple submitters, no conflicts (2 of 4 stars). 2 submissions from 2 submitters: Benign (2). Last evaluated 2026-01-24.

Conditions:
Beta-D-mannosidosis (MANSB). Also called: MANNOSIDOSIS, BETA A, LYSOSOMAL; BETA-MANNOSIDASE DEFICIENCY; LYSOSOMAL BETA-MANNOSIDASE DEFICIENCY; Beta-Mannosidosis. Identifiers: Orphanet 118, MedGen C4048196, MONDO:0009562, OMIM 248510.

Allele frequency attached by ClinVar (database versions not stated): gnomAD exomes 0.00077 and 0.00059; gnomAD 0.00011 and 0.00027; 1000 Genomes Project 30x 0.00156; ExAC 0.00094; 1000 Genomes Project 0.00200; TOPMed 0.00013.
gnomAD v4.1: 873 of 1,606,906 alleles (0.054%); highest among the groups gnomAD compares: East Asian, 1.9%; 13 homozygotes.

Submissions (2):

Labcorp Genetics (formerly Invitae), Labcorp
Classification: Benign for Beta-D-mannosidosis. Last evaluated: 2026-01-24. Review status: criteria provided, single submitter. Criteria: Invitae Variant Classification Sherloc (09022015). Collection method: clinical testing. Allele origin: germline.

Illumina Laboratory Services, Illumina
Classification: Benign for Beta-D-mannosidosis. Last evaluated: 2018-01-13. Review status: criteria provided, single submitter. Criteria: ICSL Variant Classification Criteria 13 December 2019. Collection method: clinical testing. Allele origin: germline.
Comment: This variant was observed in the ICSL laboratory as part of a predisposition screen in an ostensibly healthy population. It had not been previously curated by ICSL or reported in the Human Gene Mutation Database (HGMD: prior to June 1st, 2018), and was therefore a candidate for classification through an automated scoring system. Utilizing variant allele frequency, disease prevalence and penetrance estimates, and inheritance mode, an automated score was calculated to assess if this variant is too frequent to cause the disease. Based on the score and internal cut-off values, a variant classified as benign is not then subjected to further curation. The score for this variant resulted in a classification of benign for this disease.

NM_005908.4(MANBA):c.849+13A>C

Gene: MANBA (mannosidase beta; minus strand). Cytogenetic location: 4q24.
Variant type: single nucleotide variant.
Coding change: c.849+13A>C on transcript NM_005908.4 (MANE Select); 13 bases into the intron after coding-DNA position 849, A replaced by C.
Molecular consequence: intron variant.
Genome position (GRCh38, 1-based): chr4:102,690,583, T>G on the plus strand (A>C on the coding strand, the complement: MANBA is on the minus strand). VCF-style: chr4-102690583-T-G. GRCh37 (hg19) VCF-style: chr4-103611740-T-G.
Identifiers: ClinVar variation 900301 (VCV000900301.11), dbSNP rs76954465, ClinGen allele CA3027088.
Genomic context (GRCh38, chr4:102,690,583, plus strand): 5'-CTCCTTTCTAATCATTTCTTTAGCACAGGTATTGCTTTTCATCCAGTGCTTCTCAGGAAG[T>G]ACCATCATTTACCTTGCTAATGTTCACAAATAGCTCAACAATCCTTTTCCCAGGTTGAAG-3'